The following is an entry in ClinVar:

ClinVar aggregate classification (germline): Benign/Likely benign. Review status: criteria provided, multiple submitters, no conflicts (2 of 4 stars). 4 submissions from 4 submitters: Benign (1); Likely benign (3). Last evaluated 2025-01-07.

Conditions:
Hereditary nonpolyposis colorectal neoplasms. Identifiers: MedGen C0009405, MeSH D003123.
Hereditary cancer-predisposing syndrome. Also called: Tumor predisposition; Neoplastic Syndromes, Hereditary; Hereditary neoplastic syndrome; Hereditary Cancer Syndrome. Identifiers: Orphanet 140162, MedGen C0027672, MeSH D009386, MONDO:0015356.
Lynch syndrome 5 (LYNCH5). Also called: Hereditary non-polyposis colorectal cancer, type 5; Colorectal cancer, hereditary nonpolyposis, type 5. Identifiers: Orphanet 144, MedGen C1833477, MONDO:0013710, OMIM 614350. Disease mechanism: loss of function.

Allele frequency attached by ClinVar (database versions not stated): gnomAD 0.00001; TOPMed 0.00002.
gnomAD v4.1: 1 of 1,614,044 alleles (0.000062%); highest among the groups gnomAD compares: Non-Finnish European, 0.000085%; no homozygotes.

Submissions (4):

Myriad Genetics, Inc.
Classification: Benign for Lynch syndrome 5. Last evaluated: 2025-01-07. Review status: criteria provided, single submitter. Criteria: Myriad Autosomal Dominant, Autosomal Recessive and X-Linked Classification Criteria (2023). Collection method: clinical testing. Allele origin: unknown.
Comment: This variant is considered benign. This variant is a silent/synonymous amino acid change and it is not expected to impact splicing.

Labcorp Genetics (formerly Invitae), Labcorp
Classification: Likely benign for Hereditary nonpolyposis colorectal neoplasms. Last evaluated: 2022-05-12. Review status: criteria provided, single submitter. Criteria: Invitae Variant Classification Sherloc (09022015). Collection method: clinical testing. Allele origin: germline.

Ambry Genetics
Classification: Likely benign for Hereditary cancer-predisposing syndrome. Last evaluated: 2019-11-06. Review status: criteria provided, single submitter. Criteria: Ambry Variant Classification Scheme 2023. Collection method: clinical testing. Allele origin: germline.

Color Diagnostics, LLC DBA Color Health
Classification: Likely benign for Hereditary cancer-predisposing syndrome. Last evaluated: 2018-07-17. Review status: criteria provided, single submitter. Criteria: ACMG Guidelines, 2015. Collection method: clinical testing. Allele origin: germline.

NM_000179.3(MSH6):c.3504A>G (p.Thr1168=)

Gene: MSH6 (mutS homolog 6; plus strand). Cytogenetic location: 2p16.3.
Variant type: single nucleotide variant.
Coding change: c.3504A>G on transcript NM_000179.3 (MANE Select); coding-DNA position 3504, A replaced by G.
Protein change: p.Thr1168=; no amino-acid change (threonine 1168 retained).
Molecular consequence: synonymous variant.
Genome position (GRCh38, 1-based): chr2:47,804,975, A>G. VCF-style: chr2-47804975-A-G. GRCh37 (hg19) VCF-style: chr2-48032114-A-G.
Other names: c.3114A>G, p.Thr1038= (NM_001281492.2); c.2598A>G, p.Thr866= (NM_001281493.2, NM_001281494.2).
Identifiers: ClinVar variation 631129 (VCV000631129.12), dbSNP rs898971634, ClinGen allele CA46717037.